The following is an entry in ClinVar:

ClinVar aggregate classification (germline): Uncertain significance (1 of 4 stars; one submission).

gnomAD v4.1: 1 of 1,613,728 alleles (0.000062%); highest among the groups gnomAD compares: Non-Finnish European, 0.000085%; no homozygotes.

Submission:

Labcorp Genetics (formerly Invitae), Labcorp
Classification: Uncertain significance. Last evaluated: 2024-02-25. Review status: criteria provided, single submitter. Criteria: Invitae Variant Classification Sherloc (09022015). Collection method: clinical testing. Allele origin: germline.
Comment: This sequence change replaces aspartic acid, which is acidic and polar, with tyrosine, which is neutral and polar, at codon 315 of the GNA11 protein (p.Asp315Tyr). This variant is not present in population databases (gnomAD no frequency). This variant has not been reported in the literature in individuals affected with GNA11-related conditions. Advanced modeling of protein sequence and biophysical properties (such as structural, functional, and spatial information, amino acid conservation, physicochemical variation, residue mobility, and thermodynamic stability) performed at Invitae indicates that this missense variant is not expected to disrupt GNA11 protein function with a negative predictive value of 80%. In summary, the available evidence is currently insufficient to determine the role of this variant in disease. Therefore, it has been classified as a Variant of Uncertain Significance.

NM_002067.5(GNA11):c.943G>T (p.Asp315Tyr)

Gene: GNA11 (G protein subunit alpha 11; plus strand). Cytogenetic location: 19p13.3.
Variant type: single nucleotide variant.
Coding change: c.943G>T on transcript NM_002067.5 (MANE Select); coding-DNA position 943, G replaced by T.
Protein change: p.Asp315Tyr; replaces aspartic acid 315 with tyrosine.
Molecular consequence: missense variant.
Genome position (GRCh38, 1-based): chr19:3,121,042, G>T. VCF-style: chr19-3121042-G-T. GRCh37 (hg19) VCF-style: chr19-3121040-G-T.
Other names: short protein forms D315Y.
Identifiers: ClinVar variation 3713066 (VCV003713066.2).